The following is an entry in ClinVar:

ClinVar aggregate classification (germline): Uncertain significance. Review status: reviewed by expert panel (3 of 4 stars). 5 submissions from 5 submitters: Uncertain significance (1). 4 of the submissions do not count toward it. Last evaluated 2026-03-03.

Conditions:
Hereditary von Willebrand disease. Identifiers: Orphanet 903, MedGen C5703318, MONDO:0019565. Inheritance: Autosomal recessive or Autosomal dominant.
von Willebrand disease type 2 (VWD2). Also called: VON WILLEBRAND DISEASE, TYPE II; VWD, TYPE 2; VON WILLEBRAND DISEASE, TYPE 2A/IIE; VON WILLEBRAND DISEASE, TYPE 2CB. Identifiers: Orphanet 166081, Orphanet 903, MedGen C1264040, MONDO:0013304, OMIM 613554.
von Willebrand disease type 1 (VWD1). Also called: VON WILLEBRAND DISEASE, TYPE I; VWD, TYPE 1. Identifiers: Orphanet 166078, Orphanet 903, MedGen C1264039, MONDO:0008668, OMIM 193400. Inheritance: autosomal recessive or autosomal dominant.
von Willebrand disease type 3 (VWD3). Also called: Type 3 Von Willebrand's disease; Type 3 VWD; Von Willebrand disease, severe form; V WD3; VON WILLEBRAND DISEASE, TYPE III. Identifiers: Orphanet 166096, MedGen C1264041, MONDO:0010191, OMIM 277480.

Allele frequency attached by ClinVar (database versions not stated): ESP Exome Variant Server 0.00008; TOPMed 0.00037; 1000 Genomes Project 30x 0.00047; 1000 Genomes Project 0.00060.
gnomAD v4.1: 748 of 1,613,768 alleles (0.046%); highest among the groups gnomAD compares: East Asian, 1.3%; 11 homozygotes.

Submissions (5):

ClinGen von Willebrand Disease Variant Curation Expert Panel, ClinGen
Classification: Uncertain significance for Hereditary von Willebrand disease. Last evaluated: 2026-03-03. Review status: reviewed by expert panel. Criteria: ClinGen VWD 2A B M Rules. Collection method: curation. Allele origin: germline.
Comment: The NM_000552.5:c.1613C>T variant in VWF is a missense variant predicted to cause substitution of proline by leucine at amino acid 538. The Grpmax filtering allele frequency in gnomAD v4.1 is 0.01246 (based on 599/44874 alleles in the east Asian population, including 10 homozygotes), which is higher than the ClinGen VWD VCEP threshold of >0.01 for BS1. There is a single case in the literature carrying the variant but does not meet PP4 phenotype criteria. In summary, this variant meets the criteria to be classified as likely benign for hereditary von Willebrand disease based on the ACMG/AMP criteria applied, as specified by the ClinGen VWD VCEP: BS1 (ClinGen von Willebrand Disease Expert Panel Specifications to the ACMG/AMP Variant Interpretation Guidelines for VWF Version 1.0.0)

Quest Diagnostics Nichols Institute San Juan Capistrano
Classification: Uncertain significance. Last evaluated: 2025-04-15. Review status: criteria provided, single submitter. Criteria: Quest Diagnostics criteria. Collection method: clinical testing. Allele origin: unknown. Not counted in ClinVar's aggregate classification.
Comment: The VWF c.1613C>T (p.Pro538Leu) variant has been reported in the published literature in an individual with Type 1 VWD (PMID: 33556167 (2023)). The frequency of this variant in the general population (Genome Aggregation Database) is higher than would generally be expected for pathogenic variants in this gene. Analysis of this variant using bioinformatics tools for the prediction of the effect of amino acid changes on protein structure and function yielded conflicting predictions that this variant is benign or damaging. Based on the available information, we are unable to determine the clinical significance of this variant.

CeGaT Center for Human Genetics Tuebingen
Classification: Likely benign. Last evaluated: 2024-04-01. Review status: criteria provided, single submitter. Criteria: CeGaT Center For Human Genetics Tuebingen Variant Classification Criteria Version 2. Collection method: clinical testing. Allele origin: germline. Affected: yes. Observed: 1 variant allele. Not counted in ClinVar's aggregate classification.
Comment: VWF: PM5, BS2

Women's Health and Genetics/Laboratory Corporation of America, LabCorp
Classification: Likely benign. Last evaluated: 2023-11-13. Review status: criteria provided, single submitter. Criteria: LabCorp Variant Classification Summary - May 2015. Collection method: clinical testing. Allele origin: germline. Not counted in ClinVar's aggregate classification.
Comment: Variant summary: VWF c.1613C>T (p.Pro538Leu) results in a non-conservative amino acid change located in the von Willebrand factor, type D domain (IPR001846) of the encoded protein sequence. Four of five in-silico tools predict a damaging effect of the variant on protein function. The variant allele was found at a frequency of 0.00046 in 1613768 control chromosomes, predominantly at a frequency of 0.013 within the East Asian subpopulation in the gnomAD database, including 10 homozygotes. The relatively high frequency, together with the homozygous occurrences, might indicate a benign nature for this variant. c.1613C>T has been reported in the literature in individuals affected with Von Willebrand Disease (Sadler_2021). These report(s) do not provide unequivocal conclusions about association of the variant with Von Willebrand Disease. To our knowledge, no experimental evidence demonstrating an impact on protein function has been reported. The following publication have been ascertained in the context of this evaluation (PMID: 33556167). One submitter has cited clinical-significance assessments for this variant to ClinVar after 2014 and has classified the variant as uncertain significance. Based on the evidence outlined above, the variant was classified as likely benign.

Department of Pathology and Laboratory Medicine, Sinai Health System
Classification: Uncertain significance for von Willebrand disease type 1; von Willebrand disease type 3; von Willebrand disease type 2. Last evaluated: 2022-06-21. Review status: criteria provided, single submitter. Criteria: ACMG Guidelines, 2015. Collection method: research. Allele origin: germline. Not counted in ClinVar's aggregate classification.

Literature cited by the submitters: PubMed 33556167 (cited by Quest Diagnostics Nichols Institute San Juan Capistrano and Women's Health and Genetics/Laboratory Corporation of America, LabCorp).

NM_000552.5(VWF):c.1613C>T (p.Pro538Leu)

Gene: VWF (von Willebrand factor; minus strand). Cytogenetic location: 12p13.31.
Variant type: single nucleotide variant.
Coding change: c.1613C>T on transcript NM_000552.5 (MANE Select); coding-DNA position 1613, C replaced by T.
Protein change: p.Pro538Leu; replaces proline 538 with leucine.
Molecular consequence: missense variant.
Genome position (GRCh38, 1-based): chr12:6,057,965, G>A on the plus strand (C>T on the coding strand, the complement: VWF is on the minus strand). VCF-style: chr12-6057965-G-A. GRCh37 (hg19) VCF-style: chr12-6167131-G-A.
Other names: NM_000552.5(VWF):c.1613C>T; p.Pro538Leu; short protein forms P538L.
Identifiers: ClinVar variation 801294 (VCV000801294.37), dbSNP rs139196998, ClinGen allele CA6403326.